The following is an entry in ClinVar:

NC_000012.12:g.40416343T>A

Gene: MUC19 (mucin 19, oligomeric (gene/pseudogene); plus strand). Cytogenetic location: 12q12.
Variant type: single nucleotide variant.
Genome position: GRCh38 VCF-style: chr12-40416343-T-A. GRCh37 (hg19) VCF-style: chr12-40810145-T-A.
Identifiers: ClinVar variation 2642856 (VCV002642856.24), dbSNP rs377640287, ClinGen allele CA6515122.

ClinVar aggregate classification (germline): Likely benign (1 of 4 stars; one submission).

Allele frequency attached by ClinVar (database versions not stated): gnomAD 0.00001; gnomAD exomes 0.00002; TOPMed 0.00002; ExAC 0.00009.

Submission:

CeGaT Center for Human Genetics Tuebingen
Classification: Likely benign. Last evaluated: 2022-06-01. Review status: criteria provided, single submitter. Criteria: CeGaT Center For Human Genetics Tuebingen Variant Classification Criteria Version 2. Collection method: clinical testing. Allele origin: germline. Affected: yes. Observed: 1 variant allele.
Comment: MUC19: BP4, BP7